The following is an entry in ClinVar:

ClinVar aggregate classification (germline): Uncertain significance (1 of 4 stars; one submission).

Conditions:
Congenital disorder of glycosylation, type Iaa. Also called: Congenital disorder of glycosylation, type 1aa. Identifiers: MedGen C4310727, MONDO:0014904, OMIM 617082.

Submission:

Labcorp Genetics (formerly Invitae), Labcorp
Classification: Uncertain significance for Congenital disorder of glycosylation, type Iaa. Last evaluated: 2024-12-02. Review status: criteria provided, single submitter. Criteria: Invitae Variant Classification Sherloc (09022015). Collection method: clinical testing. Allele origin: germline.
Comment: This sequence change replaces valine, which is neutral and non-polar, with leucine, which is neutral and non-polar, at codon 99 of the NUS1 protein (p.Val99Leu). This variant is not present in population databases (gnomAD no frequency). This variant has not been reported in the literature in individuals affected with NUS1-related conditions. An algorithm developed to predict the effect of missense changes on protein structure and function (PolyPhen-2) suggests that this variant is likely to be tolerated. In summary, the available evidence is currently insufficient to determine the role of this variant in disease. Therefore, it has been classified as a Variant of Uncertain Significance.

NM_138459.5(NUS1):c.295G>T (p.Val99Leu)

Gene: NUS1 (NUS1 dehydrodolichyl diphosphate synthase subunit; plus strand). Cytogenetic location: 6q22.1.
Variant type: single nucleotide variant.
Coding change: c.295G>T on transcript NM_138459.5 (MANE Select); coding-DNA position 295, G replaced by T.
Protein change: p.Val99Leu; replaces valine 99 with leucine.
Molecular consequence: missense variant.
Genome position (GRCh38, 1-based): chr6:117,675,965, G>T. VCF-style: chr6-117675965-G-T. GRCh37 (hg19) VCF-style: chr6-117997128-G-T.
Other names: short protein forms V99L.
Identifiers: ClinVar variation 3630176 (VCV003630176.2).